The following is an entry in ClinVar:

ClinVar aggregate classification (germline): Conflicting classifications of pathogenicity. Review status: criteria provided, conflicting classifications (1 of 4 stars). 3 submissions from 3 submitters: Uncertain significance (2); Likely benign (1). Last evaluated 2024-08-05.

Conditions:
Hereditary cancer-predisposing syndrome. Also called: Hereditary neoplastic syndrome; Neoplastic Syndromes, Hereditary; Hereditary Cancer Syndrome; Tumor predisposition. Identifiers: Orphanet 140162, MedGen C0027672, MeSH D009386, MONDO:0015356.
Familial cancer of breast. Also called: BREAST CANCER, FAMILIAL; Hereditary breast cancer; hereditary breast carcinoma. Identifiers: Orphanet 227535, MedGen C0346153, MONDO:0016419, OMIM 114480. Disease mechanism: loss of function.

gnomAD v4.1: 2 of 1,614,150 alleles (0.00012%); highest among the groups gnomAD compares: Non-Finnish European, 0.00017%; no homozygotes.

Submissions (3):

Labcorp Genetics (formerly Invitae), Labcorp
Classification: Uncertain significance for Familial cancer of breast. Last evaluated: 2024-08-05. Review status: criteria provided, single submitter. Criteria: Invitae Variant Classification Sherloc (09022015). Collection method: clinical testing. Allele origin: germline.
Comment: This sequence change replaces arginine, which is basic and polar, with serine, which is neutral and polar, at codon 282 of the PALB2 protein (p.Arg282Ser). This variant is not present in population databases (gnomAD no frequency). This variant has not been reported in the literature in individuals affected with PALB2-related conditions. ClinVar contains an entry for this variant (Variation ID: 530186). An algorithm developed to predict the effect of missense changes on protein structure and function outputs the following: PolyPhen-2: "Benign". The serine amino acid residue is found in multiple mammalian species, which suggests that this missense change does not adversely affect protein function. In summary, the available evidence is currently insufficient to determine the role of this variant in disease. Therefore, it has been classified as a Variant of Uncertain Significance.

Color Diagnostics, LLC DBA Color Health
Classification: Uncertain significance for Hereditary cancer-predisposing syndrome. Last evaluated: 2022-04-26. Review status: criteria provided, single submitter. Criteria: ACMG Guidelines, 2015. Collection method: clinical testing. Allele origin: germline.
Comment: This missense variant replaces arginine with serine at codon 282 of the PALB2 protein. Computational prediction suggests that this variant may not impact protein structure and function (internally defined REVEL score threshold <= 0.5, PMID: 27666373). To our knowledge, functional studies have not been reported for this variant. This variant has been detected in a breast cancer case-control meta-analysis in 0/60466 cases and 1/53461 unaffected individuals (PMID: 33471991; Leiden Open Variation Database DB-ID PALB2_011115). This variant has not been identified in the general population by the Genome Aggregation Database (gnomAD). The available evidence is insufficient to determine the role of this variant in disease conclusively. Therefore, this variant is classified as a Variant of Uncertain Significance.

Ambry Genetics
Classification: Likely benign for Hereditary cancer-predisposing syndrome. Last evaluated: 2021-01-08. Review status: criteria provided, single submitter. Criteria: Ambry Variant Classification Scheme 2023. Collection method: clinical testing. Allele origin: germline.

Literature cited by the submitters: PubMed 33471991 (cited by Color Diagnostics, LLC DBA Color Health).

NM_024675.4(PALB2):c.846A>T (p.Arg282Ser)

Gene: PALB2 (partner and localizer of BRCA2; minus strand). Cytogenetic location: 16p12.2.
Variant type: single nucleotide variant.
Coding change: c.846A>T on transcript NM_024675.4 (MANE Select); coding-DNA position 846, A replaced by T.
Protein change: p.Arg282Ser; replaces arginine 282 with serine.
Molecular consequence: missense variant.
Genome position (GRCh38, 1-based): chr16:23,635,700, T>A on the plus strand (A>T on the coding strand, the complement: PALB2 is on the minus strand). VCF-style: chr16-23635700-T-A. GRCh37 (hg19) VCF-style: chr16-23647021-T-A.
Other names: short protein forms R282S.
Identifiers: ClinVar variation 530186 (VCV000530186.16), dbSNP rs1555461587, ClinGen allele CA395135882.